The following is an entry in ClinVar:

NM_001098816.3(TENM4):c.8000A>G (p.Gln2667Arg)

Gene: TENM4 (teneurin transmembrane protein 4; minus strand). Cytogenetic location: 11q14.1.
Variant type: single nucleotide variant.
Coding change: c.8000A>G on transcript NM_001098816.3 (MANE Select); coding-DNA position 8000, A replaced by G.
Protein change: p.Gln2667Arg; replaces glutamine 2667 with arginine.
Molecular consequence: missense variant.
Genome position (GRCh38, 1-based): chr11:78,658,368, T>C on the plus strand (A>G on the coding strand, the complement: TENM4 is on the minus strand). VCF-style: chr11-78658368-T-C. GRCh37 (hg19) VCF-style: chr11-78369413-T-C.
Other names: short protein forms Q2667R.
Identifiers: ClinVar variation 786205 (VCV000786205.28), dbSNP rs78572681, ClinGen allele CA6206111.
Genomic context (GRCh38, chr11:78,658,368, plus strand): 5'-TTCTCCTCATCCAACGTTGTCCCGTAGCGTGTGTTCAAGCACAGTGCCCCGTACTGGAGC[T>C]GGATGTCTGTGTAGCGTCTAGTCCTGCCATTAAGTACTGTGTTGATCTGGGACACAGTGA-3'
Protein context (NP_001092286.2, residues 2657-2677): NGRTRRYTDI[Gln2667Arg]LQYGALCLNT

ClinVar aggregate classification (germline): Benign/Likely benign. Review status: criteria provided, multiple submitters, no conflicts (2 of 4 stars). 3 submissions from 3 submitters: Benign (2); Likely benign (1). Last evaluated 2024-08-01.

Allele frequency attached by ClinVar (database versions not stated): gnomAD exomes 0.00037 and 0.00102; ExAC 0.00119; gnomAD 0.00372 and 0.00393; ESP Exome Variant Server 0.00401; TOPMed 0.00403; 1000 Genomes Project 0.00579; 1000 Genomes Project 30x 0.00656.
gnomAD v4.1: 1,115 of 1,614,024 alleles (0.069%); highest among the groups gnomAD compares: African/African-American, 1.2%; 6 homozygotes.

Submissions (3):

CeGaT Center for Human Genetics Tuebingen
Classification: Likely benign. Last evaluated: 2024-08-01. Review status: criteria provided, single submitter. Criteria: CeGaT Center For Human Genetics Tuebingen Variant Classification Criteria Version 2. Collection method: clinical testing. Allele origin: germline. Affected: yes. Observed: 3 variant alleles.
Comment: TENM4: BS1

Labcorp Genetics (formerly Invitae), Labcorp
Classification: Benign. Last evaluated: 2019-12-31. Review status: criteria provided, single submitter. Criteria: Invitae Variant Classification Sherloc (09022015). Collection method: clinical testing. Allele origin: germline.

Breakthrough Genomics
Classification: Benign. Review status: criteria provided, single submitter. Criteria: ACMG Guidelines, 2015. Collection method: not provided. Allele origin: germline. Inheritance: Autosomal dominant inheritance. Affected: yes.